The following is an entry in ClinVar:

NM_001039660.2(IL18BP):c.368G>A (p.Arg123His)

Gene: IL18BP (interleukin 18 binding protein; plus strand). Cytogenetic location: 11q13.4.
Variant type: single nucleotide variant.
Coding change: c.368G>A on transcript NM_001039660.2 (MANE Select); coding-DNA position 368, G replaced by A.
Protein change: p.Arg123His; replaces arginine 123 with histidine.
Molecular consequence: missense variant. On other transcripts: intron variant (1).
Genome position (GRCh38, 1-based): chr11:72,001,413, G>A. VCF-style: chr11-72001413-G-A. GRCh37 (hg19) VCF-style: chr11-71712459-G-A.
Other names: c.368G>A, p.Arg123His (NM_001039659.2, NM_001145057.1, NM_005699.3 and 2 more transcripts); c.236-371G>A (NM_001145055.1); short protein forms R123H.
Identifiers: ClinVar variation 2193153 (VCV002193153.5), dbSNP rs533526600, ClinGen allele CA6166231.

ClinVar aggregate classification (germline): Conflicting classifications of pathogenicity. Review status: criteria provided, conflicting classifications (1 of 4 stars). 2 submissions from 2 submitters: Uncertain significance (1); Likely benign (1). Last evaluated 2026-01-29.

Allele frequency attached by ClinVar (database versions not stated): TOPMed 0.00006; ExAC 0.00007; gnomAD 0.00007; 1000 Genomes Project 30x 0.00016; 1000 Genomes Project 0.00020.
gnomAD v4.1: 63 of 1,614,148 alleles (0.0039%); highest among the groups gnomAD compares: African/African-American, 0.027%; no homozygotes.

Submissions (2):

Labcorp Genetics (formerly Invitae), Labcorp
Classification: Uncertain significance. Last evaluated: 2026-01-29. Review status: criteria provided, single submitter. Criteria: Invitae Variant Classification Sherloc (09022015). Collection method: clinical testing. Allele origin: germline.
Comment: This sequence change replaces arginine, which is basic and polar, with histidine, which is basic and polar, at codon 123 of the IL18BP protein (p.Arg123His). This variant is present in population databases (rs533526600, gnomAD 0.02%). This variant has not been reported in the literature in individuals affected with IL18BP-related conditions. ClinVar contains an entry for this variant (Variation ID: 2193153). An algorithm developed to predict the effect of missense changes on protein structure and function outputs the following: PolyPhen-2: "Benign". The histidine amino acid residue is found in multiple mammalian species, which suggests that this missense change does not adversely affect protein function. In summary, the available evidence is currently insufficient to determine the role of this variant in disease. Therefore, it has been classified as a Variant of Uncertain Significance.

Ambry Genetics
Classification: Likely benign. Last evaluated: 2025-08-22. Review status: criteria provided, single submitter. Criteria: Ambry Variant Classification Scheme 2023. Collection method: clinical testing. Allele origin: germline.